The following is an entry in ClinVar:

NM_000051.4(ATM):c.409T>G (p.Tyr137Asp)

Gene: ATM (ATM serine/threonine kinase; plus strand). Cytogenetic location: 11q22.3.
Variant type: single nucleotide variant.
Coding change: c.409T>G on transcript NM_000051.4 (MANE Select); coding-DNA position 409, T replaced by G.
Protein change: p.Tyr137Asp; replaces tyrosine 137 with aspartic acid.
Molecular consequence: missense variant.
Genome position (GRCh38, 1-based): chr11:108,235,747, T>G. VCF-style: chr11-108235747-T-G. GRCh37 (hg19) VCF-style: chr11-108106474-T-G.
Other names: c.409T>G, p.Tyr137Asp (NM_001351834.2); short protein forms Y137D.
Identifiers: ClinVar variation 188252 (VCV000188252.8), dbSNP rs786204177, ClinGen allele CA334441.

ClinVar aggregate classification (germline): Uncertain significance (1 of 4 stars; one submission).

Conditions:
Ataxia-telangiectasia syndrome (AT). Also called: Ataxia-telangiectasia, complementation group D; AT, COMPLEMENTATION GROUP C; ATAXIA-TELANGIECTASIA, COMPLEMENTATION GROUP A; ATAXIA-TELANGIECTASIA, FRESNO VARIANT; Ataxia-telangiectasia; LOUIS-BAR SYNDROME. Identifiers: Orphanet 100, MedGen C0004135, MONDO:0008840, OMIM 208900.

Submission:

Labcorp Genetics (formerly Invitae), Labcorp
Classification: Uncertain significance for Ataxia-telangiectasia syndrome. Last evaluated: 2014-11-20. Review status: criteria provided, single submitter. Criteria: Invitae Variant Classification Sherloc (09022015). Collection method: clinical testing. Allele origin: germline.
Comment: In summary, this is a novel missense change with uncertain impact on protein function. It has been classified as a Variant of Uncertain Significance. Algorithms developed to predict the effect of missense changes on protein structure and function (SIFT, PolyPhen-2, Align-GVGD) all suggest that this sequence change is likely to be disruptive, but these predictions have not been confirmed by published functional studies. This sequence change has not been published in the literature and is not present in population databases. This sequence change replaces tyrosine with aspartic acid at codon 137 of the ATM protein (p.Tyr137Asp). The tyrosine residue is moderately conserved and there is a large physicochemical difference between tyrosine and aspartic acid.